The following is an entry in ClinVar:

ClinVar aggregate classification (germline): Pathogenic (1 of 4 stars; one submission).

Conditions:
DNA ligase IV deficiency. Identifiers: Orphanet 99812, MedGen C1847827, MONDO:0011686, OMIM 606593.

Submission:

Labcorp Genetics (formerly Invitae), Labcorp
Classification: Pathogenic for DNA ligase IV deficiency. Last evaluated: 2023-09-23. Review status: criteria provided, single submitter. Criteria: Invitae Variant Classification Sherloc (09022015). Collection method: clinical testing. Allele origin: germline.
Comment: This sequence change creates a premature translational stop signal (p.Ser179*) in the LIG4 gene. While this is not anticipated to result in nonsense mediated decay, it is expected to disrupt the last 733 amino acid(s) of the LIG4 protein. This variant is not present in population databases (gnomAD no frequency). This variant has not been reported in the literature in individuals affected with LIG4-related conditions. This variant disrupts a region of the LIG4 protein in which other variant(s) (p.Arg814*) have been determined to be pathogenic (PMID: 11779494, 16088910, 27063650). This suggests that this is a clinically significant region of the protein, and that variants that disrupt it are likely to be disease-causing. For these reasons, this variant has been classified as Pathogenic.

Literature cited by the submitters: PubMed 11779494; PubMed 16088910; PubMed 27063650.

NM_206937.2(LIG4):c.536C>G (p.Ser179Ter)

Gene: LIG4 (DNA ligase 4; minus strand). Cytogenetic location: 13q33.3.
Variant type: single nucleotide variant.
Coding change: c.536C>G on transcript NM_206937.2 (MANE Select); coding-DNA position 536, C replaced by G.
Protein change: p.Ser179Ter; replaces serine 179 with a stop codon.
Molecular consequence: nonsense.
Genome position (GRCh38, 1-based): chr13:108,210,733, G>C on the plus strand (C>G on the coding strand, the complement: LIG4 is on the minus strand). VCF-style: chr13-108210733-G-C. GRCh37 (hg19) VCF-style: chr13-108863081-G-C.
Other names: c.536C>G, p.Ser179Ter (NM_001098268.2, NM_001352598.2, NM_001352599.2 and 6 more transcripts); c.335C>G, p.Ser112Ter (NM_001330595.2); c.572C>G, p.Ser191Ter (NM_001352604.2); short protein forms S179*, S191*, S112*.
Identifiers: ClinVar variation 2745502 (VCV002745502.3), dbSNP rs2501621470, ClinGen allele CA388621448.